The following is an entry in ClinVar:

ClinVar aggregate classification (germline): Pathogenic. Review status: criteria provided, multiple submitters, no conflicts (2 of 4 stars). 2 submissions from 2 submitters: Pathogenic (2). Last evaluated 2023-12-16.

Conditions:
Familial adenomatous polyposis 1 (FAP1). Also called: FAMILIAL ADENOMATOUS POLYPOSIS 1, ATTENUATED; POLYPOSIS, ADENOMATOUS INTESTINAL. Identifiers: MedGen C2713442, MONDO:0021056, OMIM 175100. Disease mechanism: loss of function.

Submissions (2):

Labcorp Genetics (formerly Invitae), Labcorp
Classification: Pathogenic for Familial adenomatous polyposis 1. Last evaluated: 2023-12-16. Review status: criteria provided, single submitter. Criteria: Invitae Variant Classification Sherloc (09022015). Collection method: clinical testing. Allele origin: germline.
Comment: This sequence change creates a premature translational stop signal (p.Lys155Argfs*12) in the APC gene. It is expected to result in an absent or disrupted protein product. Loss-of-function variants in APC are known to be pathogenic (PMID: 17963004, 20685668). This variant is not present in population databases (gnomAD no frequency). This premature translational stop signal has been observed in individual(s) with clinical features of APC-related conditions (PMID: 20434453). ClinVar contains an entry for this variant (Variation ID: 2444814). For these reasons, this variant has been classified as Pathogenic.

GeneDx
Classification: Pathogenic. Last evaluated: 2022-09-19. Review status: criteria provided, single submitter. Criteria: GeneDx Variant Classification Process June 2021. Collection method: clinical testing. Allele origin: germline. Affected: yes.
Comment: Frameshift variant predicted to result in protein truncation or nonsense mediated decay in a gene for which loss of function is a known mechanism of disease; Not observed at significant frequency in large population cohorts (gnomAD); This variant is associated with the following publications: (PMID: 20434453)

Literature cited by the submitters: PubMed 17963004 (cited by Labcorp Genetics (formerly Invitae), Labcorp); PubMed 20685668 (cited by Labcorp Genetics (formerly Invitae), Labcorp); PubMed 20434453 (cited by Labcorp Genetics (formerly Invitae), Labcorp).

NM_000038.6(APC):c.464_465del (p.Lys155fs)

Gene: APC (APC regulator of Wnt signaling pathway; plus strand). Cytogenetic location: 5q22.2.
Variant type: Deletion.
Coding change: c.464_465del on transcript NM_000038.6 (MANE Select); coding-DNA positions 464 to 465, 2 bases deleted (AA; older notation c.464_465delAA).
Protein change: p.Lys155fs; shifts the reading frame from lysine 155.
Molecular consequence: frameshift variant. On other transcripts: 5 prime UTR variant (1).
Genome position (GRCh38, 1-based): chr5:112,775,670-112,775,671, AA deleted; deleting any 2 consecutive bases within chr5:112,775,667-112,775,671 gives the same sequence; the c. name uses the placement nearest the transcript's 3' end. VCF-style (leftmost placement, unchanged base first): chr5-112775666-GAA-G. GRCh37 (hg19) VCF-style: chr5-112111363-GAA-G.
Other names: c.464_465del, p.Lys155fs (NM_001127510.3, NM_001354895.2, NM_001354896.2 and 2 more transcripts); c.494_495del, p.Lys165fs (NM_001127511.3, NM_001354897.2, NM_001354902.2); c.389_390del, p.Lys130fs (NM_001354898.2, NM_001354904.2); c.287_288del, p.Lys96fs (NM_001354900.2, NM_001354901.2, NM_001354905.2); c.-572_-571del (NM_001354906.2); c.494_495delAA, p.Lys165Argfs (NM_001407446.1); c.464_465delAA, p.Lys155Argfs (NM_001407447.1, NM_001407448.1, NM_001407449.1 and 11 more transcripts); c.389_390delAA, p.Lys130Argfs (NM_001407451.1); and 2 more; short protein forms K130fs, K155fs, K165fs, K96fs.
Identifiers: ClinVar variation 2444814 (VCV002444814.4), dbSNP rs1554071529, ClinGen allele CA2580072282.